The following is an entry in ClinVar:

NM_000135.4(FANCA):c.2859C>A (p.Asp953Glu)

Gene: FANCA (FA complementation group A; minus strand). Cytogenetic location: 16q24.3.
Variant type: single nucleotide variant.
Coding change: c.2859C>A on transcript NM_000135.4 (MANE Select); coding-DNA position 2859, C replaced by A.
Protein change: p.Asp953Glu; replaces aspartic acid 953 with glutamic acid.
Molecular consequence: missense variant.
Genome position (GRCh38, 1-based): chr16:89,758,699, G>T on the plus strand (C>A on the coding strand, the complement: FANCA is on the minus strand). VCF-style: chr16-89758699-G-T. GRCh37 (hg19) VCF-style: chr16-89825107-G-T.
Other names: c.2859C>A (LRG_495t1); c.2859C>A, p.Asp953Glu (NM_001286167.3); short protein forms D953E.
Identifiers: ClinVar variation 134262 (VCV000134262.12), dbSNP rs149112292, ClinGen allele CA159296.

ClinVar aggregate classification (germline): Likely benign. Review status: criteria provided, single submitter (1 of 4 stars). 3 submissions from 3 submitters: Likely benign (1). 2 of the submissions do not count toward it. Last evaluated 2025-10-11.

Conditions:
Fanconi anemia (FA). Also called: Fanconi's anemia. Identifiers: Orphanet 84, MedGen C0015625, MeSH D005199, MONDO:0019391.
Fanconi anemia complementation group A (FANCA). Also called: Fanconi anemia, group A; FANCA-Related Fanconi Anemia. Identifiers: Orphanet 84, MedGen C3469521, MONDO:0009215, OMIM 227650.

Allele frequency attached by ClinVar (database versions not stated): TOPMed 0.00002.
gnomAD v4.1: 38 of 1,613,668 alleles (0.0024%); highest among the groups gnomAD compares: Non-Finnish European, 0.0031%; no homozygotes.

Submissions (3):

Labcorp Genetics (formerly Invitae), Labcorp
Classification: Likely benign for Fanconi anemia. Last evaluated: 2025-10-11. Review status: criteria provided, single submitter. Criteria: Invitae Variant Classification Sherloc (09022015). Collection method: clinical testing. Allele origin: germline.

Counsyl
Classification: Uncertain significance for Fanconi anemia complementation group A. Last evaluated: 2017-05-19. Review status: no assertion criteria provided. Collection method: clinical testing. Allele origin: unknown. Not counted in ClinVar's aggregate classification.

ITMI
No classification provided. Condition: AllHighlyPenetrant. Last evaluated: 2013-09-19. Review status: no classification provided. Collection method: reference population. Allele origin: germline. Not counted in ClinVar's aggregate classification.
Comment: Please see associated publication for description of ethnicities

Literature cited by the submitters: PubMed 24728327 (cited by ITMI).